The following is an entry in ClinVar:

ClinVar aggregate classification (germline): Pathogenic/Likely pathogenic. Review status: criteria provided, multiple submitters, no conflicts (2 of 4 stars). 2 submissions from 2 submitters: Pathogenic (1); Likely pathogenic (1). Last evaluated 2025-04-01.

Conditions:
Xeroderma pigmentosum, group G (XPG). Also called: XERODERMA PIGMENTOSUM VII; XP, GROUP G; Xeroderma pigmentosum type 7; ERCC5-Related Xeroderma Pigmentosum. Identifiers: MedGen C0268141, MONDO:0010216, OMIM 278780.
Cerebrooculofacioskeletal syndrome 3 (COFS3). Identifiers: MedGen C1851443, MONDO:0014696, OMIM 616570.

gnomAD v4.1: 1 of 1,614,150 alleles (0.000062%); highest among the groups gnomAD compares: Non-Finnish European, 0.000085%; no homozygotes.

Submissions (2):

CeGaT Center for Human Genetics Tuebingen
Classification: Pathogenic. Last evaluated: 2025-04-01. Review status: criteria provided, single submitter. Criteria: CeGaT Center For Human Genetics Tuebingen Variant Classification Criteria Version 2. Collection method: clinical testing. Allele origin: germline. Affected: yes. Observed: 1 variant allele.
Comment: ERCC5: PVS1, PM2

Fulgent Genetics
Classification: Likely pathogenic for Xeroderma pigmentosum, group G; Cerebrooculofacioskeletal syndrome 3. Last evaluated: 2024-03-29. Review status: criteria provided, single submitter. Criteria: ACMG Guidelines, 2015. Collection method: clinical testing. Allele origin: germline.

NM_000123.4(ERCC5):c.2836G>T (p.Gly946Ter)

Genes: BIVM-ERCC5 (BIVM-ERCC5 readthrough; plus strand), ERCC5 (ERCC excision repair 5, endonuclease; plus strand). Cytogenetic location: 13q33.1.
Variant type: single nucleotide variant.
Coding change: c.2836G>T on transcript NM_000123.4 (MANE Select); coding-DNA position 2836, G replaced by T.
Protein change: p.Gly946Ter; replaces glycine 946 with a stop codon.
Molecular consequence: nonsense.
Genome position (GRCh38, 1-based): chr13:102,872,355, G>T. VCF-style: chr13-102872355-G-T. GRCh37 (hg19) VCF-style: chr13-103524705-G-T.
Other names: c.4198G>T, p.Gly1400Ter (NM_001204425.2); short protein forms G1400*, G946*.
Identifiers: ClinVar variation 3575661 (VCV003575661.8).